The following is an entry in ClinVar:

NM_000170.3(GLDC):c.2356A>G (p.Ile786Val)

Gene: GLDC (glycine decarboxylase; minus strand). Cytogenetic location: 9p24.1.
Variant type: single nucleotide variant.
Coding change: c.2356A>G on transcript NM_000170.3 (MANE Select); coding-DNA position 2356, A replaced by G.
Protein change: p.Ile786Val; replaces isoleucine 786 with valine.
Molecular consequence: missense variant.
Genome position (GRCh38, 1-based): chr9:6,553,469, T>C on the plus strand (A>G on the coding strand, the complement: GLDC is on the minus strand). VCF-style: chr9-6553469-T-C. GRCh37 (hg19) VCF-style: chr9-6553469-T-C.
Other names: short protein forms I786V.
Identifiers: ClinVar variation 2142077 (VCV002142077.2), dbSNP rs2489031864, ClinGen allele CA372878795.

ClinVar aggregate classification (germline): Uncertain significance. Review status: criteria provided, multiple submitters, no conflicts (2 of 4 stars). 2 submissions from 2 submitters: Uncertain significance (2). Last evaluated 2025-05-19.

Conditions:
Glycine encephalopathy. Also called: Non-ketotic hyperglycinemia; Nonketotic hyperglycinemia. Identifiers: Orphanet 407, MedGen C0751748, MONDO:0011612, HP:0008288.

Allele frequency attached by ClinVar (database versions not stated): gnomAD exomes 0.00001.
gnomAD v4.1: 13 of 1,614,022 alleles (0.00081%); highest among the groups gnomAD compares: Non-Finnish European, 0.0011%; no homozygotes.

Submissions (2):

GeneDx
Classification: Uncertain significance. Last evaluated: 2025-05-19. Review status: criteria provided, single submitter. Criteria: GeneDx Variant Classification Process June 2021. Collection method: clinical testing. Allele origin: germline. Affected: yes.
Comment: Not observed at significant frequency in large population cohorts (gnomAD); In silico analysis suggests that this missense variant does not alter protein structure/function; Has not been previously published as pathogenic or benign to our knowledge

Labcorp Genetics (formerly Invitae), Labcorp
Classification: Uncertain significance for Glycine encephalopathy. Last evaluated: 2022-07-02. Review status: criteria provided, single submitter. Criteria: Invitae Variant Classification Sherloc (09022015). Collection method: clinical testing. Allele origin: germline.
Comment: This sequence change replaces isoleucine, which is neutral and non-polar, with valine, which is neutral and non-polar, at codon 786 of the GLDC protein (p.Ile786Val). This variant is not present in population databases (gnomAD no frequency). This variant has not been reported in the literature in individuals affected with GLDC-related conditions. Advanced modeling of protein sequence and biophysical properties (such as structural, functional, and spatial information, amino acid conservation, physicochemical variation, residue mobility, and thermodynamic stability) performed at Invitae indicates that this missense variant is not expected to disrupt GLDC protein function. In summary, the available evidence is currently insufficient to determine the role of this variant in disease. Therefore, it has been classified as a Variant of Uncertain Significance.